The following is an entry in ClinVar:

ClinVar aggregate classification (germline): Likely benign. Review status: criteria provided, single submitter (1 of 4 stars). 2 submissions from 2 submitters: Likely benign (1). 1 of the submissions does not count toward it. Last evaluated 2018-08-07.

Conditions:
CELSR2-related disorder. Also called: CELSR2-related condition.

Allele frequency attached by ClinVar (database versions not stated): ExAC 0.00002; gnomAD 0.00003 and 0.00004; gnomAD exomes 0.00006 and 0.00009; TOPMed 0.00006.
gnomAD v4.1: 131 of 1,612,202 alleles (0.0081%); highest among the groups gnomAD compares: Non-Finnish European, 0.0098%; no homozygotes.

Submissions (2):

Labcorp Genetics (formerly Invitae), Labcorp
Classification: Likely benign. Last evaluated: 2018-08-07. Review status: criteria provided, single submitter. Criteria: Invitae Variant Classification Sherloc (09022015). Collection method: clinical testing. Allele origin: germline.

PreventionGenetics, part of Exact Sciences
Classification: Likely benign for CELSR2-related condition. Last evaluated: 2020-03-03. Review status: no assertion criteria provided. Collection method: clinical testing. Allele origin: germline. Not counted in ClinVar's aggregate classification.
Comment: This variant is classified as likely benign based on ACMG/AMP sequence variant interpretation guidelines (Richards et al. 2015 PMID: 25741868, with internal and published modifications).

NM_001408.3(CELSR2):c.7977C>T (p.Tyr2659=)

Gene: CELSR2 (cadherin EGF LAG seven-pass G-type receptor 2; plus strand). Cytogenetic location: 1p13.3.
Variant type: single nucleotide variant.
Coding change: c.7977C>T on transcript NM_001408.3 (MANE Select); coding-DNA position 7977, C replaced by T.
Protein change: p.Tyr2659=; no amino-acid change (tyrosine 2659 retained).
Molecular consequence: synonymous variant.
Genome position (GRCh38, 1-based): chr1:109,272,328, C>T. VCF-style: chr1-109272328-C-T. GRCh37 (hg19) VCF-style: chr1-109814950-C-T.
Identifiers: ClinVar variation 745734 (VCV000745734.5), dbSNP rs769441286, ClinGen allele CA988421.